The following is an entry in ClinVar:

NM_033380.3(COL4A5):c.2657C>G (p.Ala886Gly)

Gene: COL4A5 (collagen type IV alpha 5 chain; plus strand). Cytogenetic location: Xq22.3.
Variant type: single nucleotide variant.
Coding change: c.2657C>G on transcript NM_033380.3 (MANE Select); coding-DNA position 2657, C replaced by G.
Protein change: p.Ala886Gly; replaces alanine 886 with glycine.
Molecular consequence: missense variant.
Genome position (GRCh38, 1-based): chrX:108,620,406, C>G. VCF-style: chrX-108620406-C-G. GRCh37 (hg19) VCF-style: chrX-107863636-C-G.
Other names: c.2657C>G, p.Ala886Gly (NM_000495.5); short protein forms A886G.
Identifiers: ClinVar variation 731401 (VCV000731401.34), dbSNP rs367714441, ClinGen allele CA10488955.
Genomic context (GRCh38, chrX:108,620,406, plus strand): 5'-GGATCCCCGGAGCACCTGGTCCTATAGGACCTCCAGGATCACCAGGGCTTCCAGGAAAAG[C>G]AGGTGCCTCTGGATTTCCAGGTAATTTGTTTAAAGTTTTCTCTGATTTGGATTAAGGAAA-3'
Protein context (NP_203699.1, residues 876-896): PPGSPGLPGK[Ala886Gly]GASGFPGTKG

ClinVar aggregate classification (germline): Likely benign. Review status: criteria provided, multiple submitters, no conflicts (2 of 4 stars). 3 submissions from 3 submitters: Likely benign (2). 1 of the submissions does not count toward it. Last evaluated 2025-07-14.

Conditions:
X-linked Alport syndrome (ATS1). Also called: NEPHROPATHY AND DEAFNESS, X-LINKED; COL4A5-Related Nephropathy. Identifiers: Orphanet 63, Orphanet 88917, MedGen C4746986, MONDO:0010520, OMIM 301050.

Allele frequency attached by ClinVar (database versions not stated): gnomAD 0.00001; ExAC 0.00002; TOPMed 0.00002; gnomAD exomes 0.00004 and 0.00007; ESP Exome Variant Server 0.00009.
gnomAD v4.1: 70 of 1,207,370 alleles (0.0058%); highest among the groups gnomAD compares: Non-Finnish European, 0.0078%; no homozygotes.

Submissions (3):

Labcorp Genetics (formerly Invitae), Labcorp
Classification: Likely benign. Last evaluated: 2025-07-14. Review status: criteria provided, single submitter. Criteria: Invitae Variant Classification Sherloc (09022015). Collection method: clinical testing. Allele origin: germline.

CeGaT Center for Human Genetics Tuebingen
Classification: Likely benign. Last evaluated: 2022-11-01. Review status: criteria provided, single submitter. Criteria: CeGaT Center For Human Genetics Tuebingen Variant Classification Criteria Version 2. Collection method: clinical testing. Allele origin: germline. Affected: yes. Observed: 1 variant allele.
Comment: COL4A5: BS2

Natera, Inc.
Classification: Likely benign for X-linked Alport syndrome. Last evaluated: 2020-04-07. Review status: no assertion criteria provided. Collection method: clinical testing. Allele origin: germline. Not counted in ClinVar's aggregate classification.